The following is an entry in ClinVar:

NM_017613.4(DONSON):c.1657C>T (p.Arg553Trp)

Gene: DONSON (DNA replication fork stabilization factor DONSON; minus strand). Cytogenetic location: 21q22.11.
Variant type: single nucleotide variant.
Coding change: c.1657C>T on transcript NM_017613.4 (MANE Select); coding-DNA position 1657, C replaced by T.
Protein change: p.Arg553Trp; replaces arginine 553 with tryptophan.
Molecular consequence: missense variant.
Genome position (GRCh38, 1-based): chr21:33,578,351, G>A on the plus strand (C>T on the coding strand, the complement: DONSON is on the minus strand). VCF-style: chr21-33578351-G-A. GRCh37 (hg19) VCF-style: chr21-34950657-G-A.
Other names: short protein forms R553W.
Identifiers: ClinVar variation 3046432 (VCV003046432.2), dbSNP rs113553347, ClinGen allele CA10010247.

ClinVar aggregate classification (germline): Uncertain significance (0 of 4 stars; one submission).

Conditions:
DONSON-related disorder. Also called: DONSON-related condition.

Allele frequency attached by ClinVar (database versions not stated): TOPMed 0.00001; ExAC 0.00002; gnomAD 0.00003; gnomAD exomes 0.00004.
gnomAD v4.1: 54 of 1,613,846 alleles (0.0033%); highest among the groups gnomAD compares: Middle Eastern, 0.049%; no homozygotes.

Submission:

PreventionGenetics, part of Exact Sciences
Classification: Uncertain significance for DONSON-related condition. Last evaluated: 2024-02-14. Review status: no assertion criteria provided. Collection method: clinical testing. Allele origin: germline.
Comment: The DONSON c.1657C>T variant is predicted to result in the amino acid substitution p.Arg553Trp. To our knowledge, this variant has not been reported in the literature. This variant is reported in 0.0056% of alleles in individuals of Latino descent in gnomAD. At this time, the clinical significance of this variant is uncertain due to the absence of conclusive functional and genetic evidence.